The following is an entry in ClinVar:

NM_014669.5(NUP93):c.923T>C (p.Leu308Pro)

Gene: NUP93 (nucleoporin 93; plus strand). Cytogenetic location: 16q13.
Variant type: single nucleotide variant.
Coding change: c.923T>C on transcript NM_014669.5 (MANE Select); coding-DNA position 923, T replaced by C.
Protein change: p.Leu308Pro; replaces leucine 308 with proline.
Molecular consequence: missense variant.
Genome position (GRCh38, 1-based): chr16:56,829,105, T>C. VCF-style: chr16-56829105-T-C. GRCh37 (hg19) VCF-style: chr16-56863017-T-C.
Other names: c.554T>C, p.Leu185Pro (NM_001242795.2, NM_001242796.2); c.923T>C (NM_014669.4); short protein forms L308P, L185P.
Identifiers: ClinVar variation 2167198 (VCV002167198.4), dbSNP rs765824089, ClinGen allele CA8068258.

ClinVar aggregate classification (germline): Uncertain significance. Review status: criteria provided, multiple submitters, no conflicts (2 of 4 stars). 3 submissions from 3 submitters: Uncertain significance (3). Last evaluated 2024-11-07.

Conditions:
Inborn genetic diseases. Identifiers: MedGen C0950123, MeSH D030342.

Allele frequency attached by ClinVar (database versions not stated): gnomAD exomes below 0.00001; TOPMed 0.00001; ExAC 0.00002.
gnomAD v4.1: 19 of 1,612,380 alleles (0.0012%); highest among the groups gnomAD compares: East Asian, 0.0045%; no homozygotes.

Submissions (3):

GeneDx
Classification: Uncertain significance. Last evaluated: 2024-11-07. Review status: criteria provided, single submitter. Criteria: GeneDx Variant Classification Process June 2021. Collection method: clinical testing. Allele origin: germline. Affected: yes.
Comment: In silico analysis supports that this missense variant has a deleterious effect on protein structure/function; Has not been previously published as pathogenic or benign to our knowledge

Labcorp Genetics (formerly Invitae), Labcorp
Classification: Uncertain significance. Last evaluated: 2022-07-31. Review status: criteria provided, single submitter. Criteria: Invitae Variant Classification Sherloc (09022015). Collection method: clinical testing. Allele origin: germline.
Comment: In summary, the available evidence is currently insufficient to determine the role of this variant in disease. Therefore, it has been classified as a Variant of Uncertain Significance. Algorithms developed to predict the effect of missense changes on protein structure and function are either unavailable or do not agree on the potential impact of this missense change (SIFT: "Tolerated"; PolyPhen-2: "Possibly Damaging"; Align-GVGD: "Class C0"). This variant has not been reported in the literature in individuals affected with NUP93-related conditions. This variant is present in population databases (rs765824089, gnomAD 0.02%). This sequence change replaces leucine, which is neutral and non-polar, with proline, which is neutral and non-polar, at codon 308 of the NUP93 protein (p.Leu308Pro).

Ambry Genetics
Classification: Uncertain significance for Inborn genetic diseases. Last evaluated: 2021-10-12. Review status: criteria provided, single submitter. Criteria: Ambry Variant Classification Scheme 2023. Collection method: clinical testing. Allele origin: germline.